The following is an entry in ClinVar:

ClinVar aggregate classification (germline): Uncertain significance (1 of 4 stars; one submission).

Submission:

Labcorp Genetics (formerly Invitae), Labcorp
Classification: Uncertain significance. Last evaluated: 2024-04-30. Review status: criteria provided, single submitter. Criteria: Invitae Variant Classification Sherloc (09022015). Collection method: clinical testing. Allele origin: germline.
Comment: This sequence change replaces phenylalanine, which is neutral and non-polar, with serine, which is neutral and polar, at codon 198 of the CFI protein (p.Phe198Ser). This variant is not present in population databases (gnomAD no frequency). This variant has not been reported in the literature in individuals affected with CFI-related conditions. Advanced modeling of protein sequence and biophysical properties (such as structural, functional, and spatial information, amino acid conservation, physicochemical variation, residue mobility, and thermodynamic stability) has been performed at Invitae for this missense variant, however the output from this modeling did not meet the statistical confidence thresholds required to predict the impact of this variant on CFI protein function. In summary, the available evidence is currently insufficient to determine the role of this variant in disease. Therefore, it has been classified as a Variant of Uncertain Significance.

NM_000204.5(CFI):c.593T>C (p.Phe198Ser)

Gene: CFI (complement factor I; minus strand). Cytogenetic location: 4q25.
Variant type: single nucleotide variant.
Coding change: c.593T>C on transcript NM_000204.5 (MANE Select); coding-DNA position 593, T replaced by C.
Protein change: p.Phe198Ser; replaces phenylalanine 198 with serine.
Molecular consequence: missense variant. On other transcripts: 5 prime UTR variant (1), non-coding transcript variant (3).
Genome position (GRCh38, 1-based): chr4:109,761,582, A>G on the plus strand (T>C on the coding strand, the complement: CFI is on the minus strand). VCF-style: chr4-109761582-A-G. GRCh37 (hg19) VCF-style: chr4-110682738-A-G.
Other names: c.593T>C, p.Phe198Ser (NM_001318057.2, NM_001331035.2, NM_001375278.1 and 5 more transcripts); c.-17T>C (NM_001375284.1); short protein forms F198S.
Identifiers: ClinVar variation 2832992 (VCV002832992.3), dbSNP rs2545439408, ClinGen allele CA357862721.